The following is an entry in ClinVar:

NM_001871.3(CPB1):c.516C>A (p.Asp172Glu)

Gene: CPB1 (carboxypeptidase B1; plus strand). Cytogenetic location: 3q24.
Variant type: single nucleotide variant.
Coding change: c.516C>A on transcript NM_001871.3 (MANE Select); coding-DNA position 516, C replaced by A.
Protein change: p.Asp172Glu; replaces aspartic acid 172 with glutamic acid.
Molecular consequence: missense variant.
Genome position (GRCh38, 1-based): chr3:148,841,864, C>A. VCF-style: chr3-148841864-C-A. GRCh37 (hg19) VCF-style: chr3-148559651-C-A.
Other names: short protein forms D172E.
Identifiers: ClinVar variation 3039545 (VCV003039545.2), dbSNP rs138120056, ClinGen allele CA2657660.

ClinVar aggregate classification (germline): Benign (0 of 4 stars; one submission).

Conditions:
CPB1-related disorder. Also called: CPB1-related condition.

Allele frequency attached by ClinVar (database versions not stated): 1000 Genomes Project 30x 0.00656; 1000 Genomes Project 0.00679; ESP Exome Variant Server 0.01000.
gnomAD v4.1: 19,206 of 1,613,778 alleles (1.2%); highest among the groups gnomAD compares: Middle Eastern, 3.1%; 140 homozygotes.

Submission:

PreventionGenetics, part of Exact Sciences
Classification: Benign for CPB1-related condition. Last evaluated: 2019-02-27. Review status: no assertion criteria provided. Collection method: clinical testing. Allele origin: germline.
Comment: This variant is classified as benign based on ACMG/AMP sequence variant interpretation guidelines (Richards et al. 2015 PMID: 25741868, with internal and published modifications).